The following is an entry in ClinVar:

ClinVar aggregate classification (germline): Uncertain significance (1 of 4 stars; one submission).

Allele frequency attached by ClinVar (database versions not stated): TOPMed 0.00001; ExAC 0.00002.

Submission:

Labcorp Genetics (formerly Invitae), Labcorp
Classification: Uncertain significance. Last evaluated: 2023-12-06. Review status: criteria provided, single submitter. Criteria: Invitae Variant Classification Sherloc (09022015). Collection method: clinical testing. Allele origin: germline.
Comment: This sequence change replaces serine, which is neutral and polar, with proline, which is neutral and non-polar, at codon 164 of the CYP17A1 protein (p.Ser164Pro). This variant is present in population databases (rs781316969, gnomAD 0.004%). This variant has not been reported in the literature in individuals affected with CYP17A1-related conditions. ClinVar contains an entry for this variant (Variation ID: 2189591). Advanced modeling of protein sequence and biophysical properties (such as structural, functional, and spatial information, amino acid conservation, physicochemical variation, residue mobility, and thermodynamic stability) performed at Invitae indicates that this missense variant is not expected to disrupt CYP17A1 protein function with a negative predictive value of 95%. In summary, the available evidence is currently insufficient to determine the role of this variant in disease. Therefore, it has been classified as a Variant of Uncertain Significance.

NM_000102.4(CYP17A1):c.490T>C (p.Ser164Pro)

Gene: CYP17A1 (cytochrome P450 family 17 subfamily A member 1; minus strand). Cytogenetic location: 10q24.32.
Variant type: single nucleotide variant.
Coding change: c.490T>C on transcript NM_000102.4 (MANE Select); coding-DNA position 490, T replaced by C.
Protein change: p.Ser164Pro; replaces serine 164 with proline.
Molecular consequence: missense variant.
Genome position (GRCh38, 1-based): chr10:102,834,961, A>G on the plus strand (T>C on the coding strand, the complement: CYP17A1 is on the minus strand). VCF-style: chr10-102834961-A-G. GRCh37 (hg19) VCF-style: chr10-104594718-A-G.
Other names: short protein forms S164P.
Identifiers: ClinVar variation 2189591 (VCV002189591.2), dbSNP rs781316969, ClinGen allele CA5669543.